The following is an entry in ClinVar:

NM_001372.4(DNAH9):c.11234G>T (p.Gly3745Val)

Gene: DNAH9 (dynein axonemal heavy chain 9; plus strand). Cytogenetic location: 17p12.
Variant type: single nucleotide variant.
Coding change: c.11234G>T on transcript NM_001372.4 (MANE Select); coding-DNA position 11234, G replaced by T.
Protein change: p.Gly3745Val; replaces glycine 3745 with valine.
Molecular consequence: missense variant.
Genome position (GRCh38, 1-based): chr17:11,891,898, G>T. VCF-style: chr17-11891898-G-T. GRCh37 (hg19) VCF-style: chr17-11795215-G-T.
Other names: c.11234G>T (NM_001372.3); c.170G>T, p.Gly57Val (NM_004662.2); short protein forms G3745V, G57V.
Identifiers: ClinVar variation 2155216 (VCV002155216.6), dbSNP rs202121504, ClinGen allele CA8397772.

ClinVar aggregate classification (germline): Uncertain significance. Review status: criteria provided, multiple submitters, no conflicts (2 of 4 stars). 2 submissions from 2 submitters: Uncertain significance (2). Last evaluated 2025-11-05.

Conditions:
Inborn genetic diseases. Identifiers: MedGen C0950123, MeSH D030342.

Allele frequency attached by ClinVar (database versions not stated): ExAC 0.00001; gnomAD exomes 0.00002; gnomAD 0.00011; 1000 Genomes Project 0.00020; TOPMed 0.00023; 1000 Genomes Project 30x 0.00031.
gnomAD v4.1: 32 of 1,614,044 alleles (0.002%); highest among the groups gnomAD compares: Admixed American, 0.04%; no homozygotes.

Submissions (2):

Ambry Genetics
Classification: Uncertain significance for Inborn genetic diseases. Last evaluated: 2025-11-05. Review status: criteria provided, single submitter. Criteria: Ambry Variant Classification Scheme 2023. Collection method: clinical testing. Allele origin: germline.

Labcorp Genetics (formerly Invitae), Labcorp
Classification: Uncertain significance. Last evaluated: 2025-10-08. Review status: criteria provided, single submitter. Criteria: Invitae Variant Classification Sherloc (09022015). Collection method: clinical testing. Allele origin: germline.
Comment: This sequence change replaces glycine, which is neutral and non-polar, with valine, which is neutral and non-polar, at codon 3745 of the DNAH9 protein (p.Gly3745Val). This variant is present in population databases (rs202121504, gnomAD 0.006%). This variant has not been reported in the literature in individuals affected with DNAH9-related conditions. ClinVar contains an entry for this variant (Variation ID: 2155216). Invitae Evidence Modeling of protein sequence and biophysical properties (such as structural, functional, and spatial information, amino acid conservation, physicochemical variation, residue mobility, and thermodynamic stability) indicates that this missense variant is expected to disrupt DNAH9 protein function with a positive predictive value of 80%. In summary, the available evidence is currently insufficient to determine the role of this variant in disease. Therefore, it has been classified as a Variant of Uncertain Significance.